The following is an entry in ClinVar:

NM_000017.4(ACADS):c.842G>C (p.Gly281Ala)

Gene: ACADS (acyl-CoA dehydrogenase short chain; plus strand). Cytogenetic location: 12q24.31.
Variant type: single nucleotide variant.
Coding change: c.842G>C on transcript NM_000017.4 (MANE Select); coding-DNA position 842, G replaced by C.
Protein change: p.Gly281Ala; replaces glycine 281 with alanine.
Molecular consequence: missense variant.
Genome position (GRCh38, 1-based): chr12:120,738,579, G>C. VCF-style: chr12-120738579-G-C. GRCh37 (hg19) VCF-style: chr12-121176382-G-C.
Other names: p.Gly281Ala; c.830G>C, p.Gly277Ala (NM_001302554.2); short protein forms G281A, G277A.
Identifiers: ClinVar variation 550463 (VCV000550463.8), dbSNP rs762083095, ClinGen allele CA6831092.

ClinVar aggregate classification (germline): Uncertain significance. Review status: criteria provided, multiple submitters, no conflicts (2 of 4 stars). 3 submissions from 3 submitters: Uncertain significance (2). 1 of the submissions does not count toward it. Last evaluated 2024-09-23.

Conditions:
Deficiency of butyryl-CoA dehydrogenase (ACADSD). Also called: ACADS DEFICIENCY; SCAD DEFICIENCY, MILD; ACYL-CoA DEHYDROGENASE, SHORT-CHAIN, DEFICIENCY OF; SCAD Deficiency; Short-Chain Acyl-CoA Dehydrogenase Deficiency; SCADH DEFICIENCY. Identifiers: Orphanet 26792, MedGen C0342783, MONDO:0008722, OMIM 201470. Disease mechanism: May be benign.

Allele frequency attached by ClinVar (database versions not stated): TOPMed below 0.00001; gnomAD 0.00001.
gnomAD v4.1: 27 of 1,612,488 alleles (0.0017%); highest among the groups gnomAD compares: Non-Finnish European, 0.0022%; no homozygotes.

Submissions (3):

Labcorp Genetics (formerly Invitae), Labcorp
Classification: Uncertain significance for Deficiency of butyryl-CoA dehydrogenase. Last evaluated: 2024-09-23. Review status: criteria provided, single submitter. Criteria: Invitae Variant Classification Sherloc (09022015). Collection method: clinical testing. Allele origin: germline.
Comment: This sequence change replaces glycine, which is neutral and non-polar, with alanine, which is neutral and non-polar, at codon 281 of the ACADS protein (p.Gly281Ala). This variant is present in population databases (rs762083095, gnomAD 0.004%). This missense change has been observed in individual(s) with short chain acyl-CoA dehydrogenase deficiency (PMID: 27051597). ClinVar contains an entry for this variant (Variation ID: 550463). Invitae Evidence Modeling of protein sequence and biophysical properties (such as structural, functional, and spatial information, amino acid conservation, physicochemical variation, residue mobility, and thermodynamic stability) indicates that this missense variant is expected to disrupt ACADS protein function with a positive predictive value of 95%. In summary, the available evidence is currently insufficient to determine the role of this variant in disease. Therefore, it has been classified as a Variant of Uncertain Significance.

Mayo Clinic Laboratories, Mayo Clinic
Classification: Uncertain significance. Last evaluated: 2024-02-15. Review status: criteria provided, single submitter. Criteria: ACMG Guidelines, 2015. Collection method: clinical testing. Allele origin: germline. Observed: 1 variant allele.
Comment: PP3, PM2

Counsyl
Classification: Uncertain significance for Deficiency of butyryl-CoA dehydrogenase. Last evaluated: 2017-01-27. Review status: no assertion criteria provided. Collection method: clinical testing. Allele origin: unknown. Not counted in ClinVar's aggregate classification.

Literature cited by the submitters: PubMed 27051597 (cited by 3 submitters).